The following is an entry in ClinVar:

ClinVar aggregate classification (germline): Uncertain significance. Review status: criteria provided, multiple submitters, no conflicts (2 of 4 stars). 3 submissions from 3 submitters: Uncertain significance (2). 1 of the submissions does not count toward it. Last evaluated 2025-10-07.

Conditions:
Usher syndrome type 2A. Also called: RETINAL DISEASE IN USHER SYNDROME TYPE IIA, MODIFIER OF; USHER SYNDROME, TYPE IIA. Identifiers: Orphanet 231178, Orphanet 886, MedGen C1848634, MONDO:0010169, OMIM 276901.

Allele frequency attached by ClinVar (database versions not stated): gnomAD exomes 0.00001 and below 0.00001; TOPMed 0.00001.
gnomAD v4.1: 2 of 1,614,084 alleles (0.00012%); highest among the groups gnomAD compares: African/African-American, 0.0027%; no homozygotes.

Submissions (3):

Dasa
Classification: Uncertain significance for Usher syndrome type 2A. Last evaluated: 2025-10-07. Review status: criteria provided, single submitter. Criteria: DASA Assertion Criteria. Collection method: clinical testing. Allele origin: germline.
Comment: NM_206933.4(USH2A):c.12281A>C (p.Asn4094Thr) is a missense variant that results in the substitution of asparagine with threonine. This variant has been observed in affected individuals with USH2A-related disorders. Also, this variant is rare in population databases. The currently available literature and clinical evidence are not sufficient to establish a definitive association between this variant and the reported condition. Therefore, this variant is classified as a variant of uncertain significance.

Labcorp Genetics (formerly Invitae), Labcorp
Classification: Uncertain significance. Last evaluated: 2022-10-04. Review status: criteria provided, single submitter. Criteria: Invitae Variant Classification Sherloc (09022015). Collection method: clinical testing. Allele origin: germline.
Comment: In summary, the available evidence is currently insufficient to determine the role of this variant in disease. Therefore, it has been classified as a Variant of Uncertain Significance. Advanced modeling of protein sequence and biophysical properties (such as structural, functional, and spatial information, amino acid conservation, physicochemical variation, residue mobility, and thermodynamic stability) performed at Invitae indicates that this missense variant is expected to disrupt USH2A protein function. ClinVar contains an entry for this variant (Variation ID: 1394689). This variant has not been reported in the literature in individuals affected with USH2A-related conditions. This variant is present in population databases (no rsID available, gnomAD 0.01%). This sequence change replaces asparagine, which is neutral and polar, with threonine, which is neutral and polar, at codon 4094 of the USH2A protein (p.Asn4094Thr).

Natera, Inc.
Classification: Uncertain significance for Usher syndrome type 2A. Last evaluated: 2025-03-20. Review status: no assertion criteria provided. Collection method: clinical testing. Allele origin: germline. Not counted in ClinVar's aggregate classification.

NM_206933.4(USH2A):c.12281A>C (p.Asn4094Thr)

Gene: USH2A (usherin; minus strand). Cytogenetic location: 1q41.
Variant type: single nucleotide variant.
Coding change: c.12281A>C on transcript NM_206933.4 (MANE Select); coding-DNA position 12281, A replaced by C.
Protein change: p.Asn4094Thr; replaces asparagine 4094 with threonine.
Molecular consequence: missense variant.
Genome position (GRCh38, 1-based): chr1:215,680,162, T>G on the plus strand (A>C on the coding strand, the complement: USH2A is on the minus strand). VCF-style: chr1-215680162-T-G. GRCh37 (hg19) VCF-style: chr1-215853504-T-G.
Other names: c.12281A>C (NM_206933.2); short protein forms N4094T.
Identifiers: ClinVar variation 1394689 (VCV001394689.9), dbSNP rs1358963233, ClinGen allele CA344815790.